The following is an entry in ClinVar:

NM_000628.5(IL10RB):c.1A>T (p.Met1Leu)

Genes: IFNAR2-IL10RB (IFNAR2-IL10RB readthrough; plus strand), IL10RB (interleukin 10 receptor subunit beta; plus strand), LOC130066558 (ATAC-STARR-seq lymphoblastoid silent region 13254; plus strand). Cytogenetic location: 21q22.11.
Variant type: single nucleotide variant.
Coding change: c.1A>T on transcript NM_000628.5 (MANE Select); coding-DNA position 1, A replaced by T.
Protein change: p.Met1Leu; changes the start codon (methionine 1).
Molecular consequence: missense variant, initiator codon variant.
Genome position (GRCh38, 1-based): chr21:33,266,466, A>T. VCF-style: chr21-33266466-A-T. GRCh37 (hg19) VCF-style: chr21-34638771-A-T.
Other names: c.1A>T, p.Met1Leu (NM_001405849.1, NM_001405850.1, NM_001406840.1); short protein forms M1L.
Identifiers: ClinVar variation 2135051 (VCV002135051.5), dbSNP rs1266638189, ClinGen allele CA410106702.

ClinVar aggregate classification (germline): Uncertain significance (1 of 4 stars; one submission).

Conditions:
Inflammatory bowel disease 25. Also called: Inflammatory bowel disease 25, early onset, autosomal recessive. Identifiers: Orphanet 238569, MedGen C2675508, MONDO:0012941, OMIM 612567.

Submission:

Labcorp Genetics (formerly Invitae), Labcorp
Classification: Uncertain significance for Inflammatory bowel disease 25. Last evaluated: 2022-05-07. Review status: criteria provided, single submitter. Criteria: Invitae Variant Classification Sherloc (09022015). Collection method: clinical testing. Allele origin: germline.
Comment: In summary, the available evidence is currently insufficient to determine the role of this variant in disease. Therefore, it has been classified as a Variant of Uncertain Significance. Experimental studies and prediction algorithms are not available or were not evaluated, and the functional significance of this variant is currently unknown. This variant has not been reported in the literature in individuals affected with IL10RB-related conditions. This variant is not present in population databases (gnomAD no frequency). This sequence change affects the initiator methionine of the IL10RB mRNA. The next in-frame methionine is located at codon 20.